The following is an entry in ClinVar:

NM_000264.5(PTCH1):c.3929G>T (p.Gly1310Val)

Gene: PTCH1 (patched 1; minus strand). Cytogenetic location: 9q22.32.
Variant type: single nucleotide variant.
Coding change: c.3929G>T on transcript NM_000264.5 (MANE Select); coding-DNA position 3929, G replaced by T.
Protein change: p.Gly1310Val; replaces glycine 1310 with valine.
Molecular consequence: missense variant. On other transcripts: non-coding transcript variant (1).
Genome position (GRCh38, 1-based): chr9:95,447,327, C>A on the plus strand (G>T on the coding strand, the complement: PTCH1 is on the minus strand). VCF-style: chr9-95447327-C-A. GRCh37 (hg19) VCF-style: chr9-98209609-C-A.
Other names: c.3731G>T, p.Gly1244Val (NM_001083602.3); c.3926G>T, p.Gly1309Val (NM_001083603.3); c.3476G>T, p.Gly1159Val (NM_001083604.3, NM_001083605.3, NM_001083606.3 and 1 more transcripts); c.3773G>T, p.Gly1258Val (NM_001354918.2); short protein forms G1159V, G1244V, G1309V, G1258V, G1310V.
Identifiers: ClinVar variation 824393 (VCV000824393.12), dbSNP rs773043616, ClinGen allele CA5138000.

ClinVar aggregate classification (germline): Conflicting classifications of pathogenicity. Review status: criteria provided, conflicting classifications (1 of 4 stars). 3 submissions from 3 submitters: Uncertain significance (2); Benign (1). Last evaluated 2025-11-02.

Conditions:
Gorlin syndrome. Also called: Basal cell nevus syndrome; Nevoid Basal Cell Carcinoma Syndrome. Identifiers: Orphanet 377, MedGen C0004779, MONDO:0007187.
PTCH1-related disorder. Also called: PTCH1-related disorders; PTCH1-related condition.
Hereditary cancer-predisposing syndrome. Also called: Neoplastic Syndromes, Hereditary; Hereditary Cancer Syndrome; Tumor predisposition; Hereditary neoplastic syndrome. Identifiers: Orphanet 140162, MedGen C0027672, MeSH D009386, MONDO:0015356.

Allele frequency attached by ClinVar (database versions not stated): ExAC 0.00002.
gnomAD v4.1: 3 of 1,613,414 alleles (0.00019%); highest among the groups gnomAD compares: South Asian, 0.0022%; no homozygotes.

Submissions (3):

Ambry Genetics
Classification: Uncertain significance for Hereditary cancer-predisposing syndrome. Last evaluated: 2025-11-02. Review status: criteria provided, single submitter. Criteria: Ambry Variant Classification Scheme 2023. Collection method: clinical testing. Allele origin: germline.
Comment: The p.G1310V variant (also known as c.3929G>T), located in coding exon 23 of the PTCH1 gene, results from a G to T substitution at nucleotide position 3929. The glycine at codon 1310 is replaced by valine, an amino acid with dissimilar properties. This amino acid position is well conserved in available vertebrate species. In addition, the in silico prediction for this alteration is inconclusive. Since supporting evidence is limited at this time, the clinical significance of this alteration remains unclear.

PreventionGenetics, part of Exact Sciences
Classification: Uncertain significance for PTCH1-related condition. Last evaluated: 2024-12-11. Review status: criteria provided, single submitter. Criteria: ACMG Guidelines, 2015. Collection method: clinical testing. Allele origin: germline.
Comment: The PTCH1 c.3929G>T variant is predicted to result in the amino acid substitution p.Gly1310Val. To our knowledge, this variant has not been reported in the literature. This variant is reported in 0.0065% of alleles in individuals of South Asian descent in gnomAD. At this time, the clinical significance of this variant is uncertain due to the absence of conclusive functional and genetic evidence.

Labcorp Genetics (formerly Invitae), Labcorp
Classification: Benign for Gorlin syndrome. Last evaluated: 2023-11-24. Review status: criteria provided, single submitter. Criteria: Invitae Variant Classification Sherloc (09022015). Collection method: clinical testing. Allele origin: germline.